The following is an entry in ClinVar:

NM_080425.4(GNAS):c.315G>A (p.Glu105=)

Gene: GNAS (GNAS complex locus; plus strand). Cytogenetic location: 20q13.32.
Variant type: single nucleotide variant.
Coding change: c.315G>A on transcript NM_080425.4 (MANE Plus Clinical); coding-DNA position 315, G replaced by A.
Protein change: p.Glu105=; no amino-acid change (glutamic acid 105 retained).
Molecular consequence: synonymous variant. On other transcripts: missense variant (2), intron variant (3).
Genome position (GRCh38, 1-based): chr20:58,853,580, G>A. VCF-style: chr20-58853580-G-A. GRCh37 (hg19) VCF-style: chr20-57428635-G-A.
Other names: c.128G>A, p.Arg43Lys (NM_001077490.3, NM_001309883.1); c.315G>A, p.Glu105= (NM_001410913.1); c.*42+12694G>A (NM_016592.5); c.43+12694G>A (NM_001410912.1); c.-39+11705G>A (NM_001309861.2); short protein forms R43K.
Identifiers: ClinVar variation 4992632 (VCV004992632.1).
Genomic context (GRCh38, chr20:58,853,580, plus strand): 5'-CAGGGAAGCTGGAGCCCATGGAAGCTACAGCCCACCTCCTGAGGAAGCAATGCCCTTCGA[G>A]GCTGAACAGCCCAGCTTGGGAGGCTTCTGGCCTACACTGGAGCAGCCTGGATTCCCCAGT-3'
Protein context (NP_536350.2, residues 95-115): SPPPEEAMPF[Glu105=]AEQPSLGGFW

ClinVar aggregate classification (germline): Uncertain significance (1 of 4 stars; one submission).

Conditions:
GNAS-related disorder. Identifiers: MedGen CN380105.

Submission:

PreventionGenetics, part of Exact Sciences
Classification: Uncertain significance for GNAS-related condition. Last evaluated: 2026-02-11. Review status: criteria provided, single submitter. Criteria: ACMG Guidelines, 2015. Collection method: clinical testing. Allele origin: germline.
Comment: The GNAS c.128G>A variant is predicted to result in the amino acid substitution p.Arg43Lys. To our knowledge, this variant has not been reported in the literature or in a large population database (gnomAD), indicating this variant is rare. At this time, the clinical significance of this variant is uncertain due to the absence of conclusive functional and genetic evidence.